The following is an entry in ClinVar:

NM_000057.4(BLM):c.403G>A (p.Ala135Thr)

Gene: BLM (BLM RecQ like helicase; plus strand). Cytogenetic location: 15q26.1.
Variant type: single nucleotide variant.
Coding change: c.403G>A on transcript NM_000057.4 (MANE Select); coding-DNA position 403, G replaced by A.
Protein change: p.Ala135Thr; replaces alanine 135 with threonine.
Molecular consequence: missense variant. On other transcripts: 5 prime UTR variant (1).
Genome position (GRCh38, 1-based): chr15:90,749,671, G>A. VCF-style: chr15-90749671-G-A. GRCh37 (hg19) VCF-style: chr15-91292901-G-A.
Other names: c.403G>A, p.Ala135Thr (NM_001287246.2, NM_001287247.2); c.-889G>A (NM_001287248.2); short protein forms A135T.
Identifiers: ClinVar variation 2166638 (VCV002166638.5), dbSNP rs373832397, ClinGen allele CA393840471.
Genomic context (GRCh38, chr15:90,749,671, plus strand): 5'-CCGAAGGAAGTTGTATGCACTACCCAAAACACACCAACTGTAAAGAAATCCCGGGATACT[G>A]CTCTCAAGAAATTAGAATTTAGTTCTTCACCAGATTCTTTAAGTACCATCAATGATTGGG-3'
Protein context (NP_000048.1, residues 125-145): TPTVKKSRDT[Ala135Thr]LKKLEFSSSP

ClinVar aggregate classification (germline): Uncertain significance. Review status: criteria provided, multiple submitters, no conflicts (2 of 4 stars). 2 submissions from 2 submitters: Uncertain significance (2). Last evaluated 2024-11-26.

Conditions:
Bloom syndrome (BLM). Also called: Bloom-Torre-Machacek syndrome. Identifiers: Orphanet 125, MedGen C0005859, MONDO:0008876, OMIM 210900.

Submissions (2):

GeneDx
Classification: Uncertain significance. Last evaluated: 2024-11-26. Review status: criteria provided, single submitter. Criteria: GeneDx Variant Classification Process June 2021. Collection method: clinical testing. Allele origin: germline. Affected: yes.
Comment: Not observed at significant frequency in large population cohorts (gnomAD); In silico analysis indicates that this missense variant does not alter protein structure/function; Has not been previously published as pathogenic or benign to our knowledge

Labcorp Genetics (formerly Invitae), Labcorp
Classification: Uncertain significance for Bloom syndrome. Last evaluated: 2023-05-12. Review status: criteria provided, single submitter. Criteria: Invitae Variant Classification Sherloc (09022015). Collection method: clinical testing. Allele origin: germline.
Comment: This sequence change replaces alanine, which is neutral and non-polar, with threonine, which is neutral and polar, at codon 135 of the BLM protein (p.Ala135Thr). This variant is not present in population databases (gnomAD no frequency). This variant has not been reported in the literature in individuals affected with BLM-related conditions. ClinVar contains an entry for this variant (Variation ID: 2166638). Algorithms developed to predict the effect of missense changes on protein structure and function output the following: SIFT: "Not Available"; PolyPhen-2: "Benign"; Align-GVGD: "Not Available". The threonine amino acid residue is found in multiple mammalian species, which suggests that this missense change does not adversely affect protein function. In summary, the available evidence is currently insufficient to determine the role of this variant in disease. Therefore, it has been classified as a Variant of Uncertain Significance.